The following is an entry in ClinVar:

ClinVar aggregate classification (germline): Pathogenic (1 of 4 stars; one submission).

Conditions:
Hereditary breast ovarian cancer syndrome. Also called: Hereditary breast and/or ovarian cancer syndrome; Hereditary breast and ovarian cancer; Hereditary breast and ovarian cancer syndrome; Breast and ovarian cancer; Hereditary breast and ovarian cancer syndrome (HBOC); BRCA1- and BRCA2-Associated Hereditary Breast and Ovarian Cancer. Identifiers: Orphanet 145, MedGen C0677776, MeSH D061325, MONDO:0003582. Disease mechanism: loss of function.

Submission:

Labcorp Genetics (formerly Invitae), Labcorp
Classification: Pathogenic for Hereditary breast ovarian cancer syndrome. Last evaluated: 2022-12-24. Review status: criteria provided, single submitter. Criteria: Invitae Variant Classification Sherloc (09022015). Collection method: clinical testing. Allele origin: germline.
Comment: For these reasons, this variant has been classified as Pathogenic. This variant has not been reported in the literature in individuals affected with BRCA2-related conditions. This variant is not present in population databases (gnomAD no frequency). This sequence change creates a premature translational stop signal (p.Tyr2222*) in the BRCA2 gene. It is expected to result in an absent or disrupted protein product. Loss-of-function variants in BRCA2 are known to be pathogenic (PMID: 20104584).

Literature cited by the submitters: PubMed 20104584.

NM_000059.4(BRCA2):c.6666C>G (p.Tyr2222Ter)

Gene: BRCA2 (BRCA2 DNA repair associated; plus strand). Cytogenetic location: 13q13.1.
Variant type: single nucleotide variant.
Coding change: c.6666C>G on transcript NM_000059.4 (MANE Select); coding-DNA position 6666, C replaced by G.
Protein change: p.Tyr2222Ter; replaces tyrosine 2222 with a stop codon.
Molecular consequence: nonsense. On other transcripts: non-coding transcript variant (1), intron variant (2).
Genome position (GRCh38, 1-based): chr13:32,341,021, C>G. VCF-style: chr13-32341021-C-G. GRCh37 (hg19) VCF-style: chr13-32915158-C-G.
Other names: c.6666C>G, p.Tyr2222Ter (NM_001406719.1, NM_001406720.1); c.1910-3537C>G (NM_001406721.1); c.425-3537C>G (NM_001406722.1); short protein forms Y2222*.
Identifiers: ClinVar variation 2823788 (VCV002823788.3), dbSNP rs2137529597, ClinGen allele CA387790489.
Genomic context (GRCh38, chr13:32,341,021, plus strand): 5'-TGTTCCTGTGAAAACAAATATAGAAGTTTGTTCTACTTACTCCAAAGATTCAGAAAACTA[C>G]TTTGAAACAGAAGCAGTAGAAATTGCTAAAGCTTTTATGGAAGATGATGAACTGACAGAT-3'